The following is an entry in ClinVar:

ClinVar aggregate classification (germline): Uncertain significance (1 of 4 stars; one submission).

Submission:

GeneDx
Classification: Uncertain significance. Last evaluated: 2024-05-17. Review status: criteria provided, single submitter. Criteria: GeneDx Variant Classification Process June 2021. Collection method: clinical testing. Allele origin: germline. Affected: yes.
Comment: Not observed at significant frequency in large population cohorts (gnomAD); In silico analysis supports that this missense variant has a deleterious effect on protein structure/function; Has not been previously published as pathogenic or benign to our knowledge

NM_134261.3(RORA):c.416C>G (p.Ser139Cys)

Genes: RORA (RAR related orphan receptor A; minus strand), RORA-AS1 (RORA antisense RNA 1; plus strand). Cytogenetic location: 15q22.2.
Variant type: single nucleotide variant.
Coding change: c.416C>G on transcript NM_134261.3 (MANE Select); coding-DNA position 416, C replaced by G.
Protein change: p.Ser139Cys; replaces serine 139 with cysteine.
Molecular consequence: missense variant.
Genome position (GRCh38, 1-based): chr15:60,514,624, G>C on the plus strand (C>G on the coding strand, the complement: RORA is on the minus strand). VCF-style: chr15-60514624-G-C. GRCh37 (hg19) VCF-style: chr15-60806823-G-C.
Other names: c.491C>G, p.Ser164Cys (NM_002943.4); c.515C>G, p.Ser172Cys (NM_134260.3); c.251C>G, p.Ser84Cys (NM_134262.3); short protein forms S139C, S164C, S172C, S84C.
Identifiers: ClinVar variation 3377903 (VCV003377903.1).